The following is an entry in ClinVar:

ClinVar aggregate classification (germline): Uncertain significance. Review status: criteria provided, multiple submitters, no conflicts (2 of 4 stars). 2 submissions from 2 submitters: Uncertain significance (2). Last evaluated 2024-05-10.

Conditions:
Periventricular nodular heterotopia 7 (PVNH7). Identifiers: MedGen C4310669, MONDO:0014966, OMIM 617201.

Allele frequency attached by ClinVar (database versions not stated): gnomAD exomes below 0.00001.
gnomAD v4.1: 5 of 1,613,818 alleles (0.00031%); highest among the groups gnomAD compares: Non-Finnish European, 0.00042%; no homozygotes.

Submissions (2):

Labcorp Genetics (formerly Invitae), Labcorp
Classification: Uncertain significance. Last evaluated: 2024-05-10. Review status: criteria provided, single submitter. Criteria: Invitae Variant Classification Sherloc (09022015). Collection method: clinical testing. Allele origin: germline.
Comment: This sequence change replaces threonine, which is neutral and polar, with alanine, which is neutral and non-polar, at codon 475 of the NEDD4L protein (p.Thr475Ala). This variant is present in population databases (no rsID available, gnomAD 0.0009%). This variant has not been reported in the literature in individuals affected with NEDD4L-related conditions. ClinVar contains an entry for this variant (Variation ID: 844193). Advanced modeling of protein sequence and biophysical properties (such as structural, functional, and spatial information, amino acid conservation, physicochemical variation, residue mobility, and thermodynamic stability) performed at Invitae indicates that this missense variant is not expected to disrupt NEDD4L protein function with a negative predictive value of 80%. In summary, the available evidence is currently insufficient to determine the role of this variant in disease. Therefore, it has been classified as a Variant of Uncertain Significance.

Fulgent Genetics
Classification: Uncertain significance for Periventricular nodular heterotopia 7. Last evaluated: 2022-02-08. Review status: criteria provided, single submitter. Criteria: ACMG Guidelines, 2015. Collection method: clinical testing. Allele origin: unknown.

NM_001144967.3(NEDD4L):c.1483A>G (p.Thr495Ala)

Gene: NEDD4L (NEDD4 like E3 ubiquitin protein ligase; plus strand). Cytogenetic location: 18q21.31.
Variant type: single nucleotide variant.
Coding change: c.1483A>G on transcript NM_001144967.3 (MANE Select); coding-DNA position 1483, A replaced by G.
Protein change: p.Thr495Ala; replaces threonine 495 with alanine.
Molecular consequence: missense variant.
Genome position (GRCh38, 1-based): chr18:58,343,011, A>G. VCF-style: chr18-58343011-A-G. GRCh37 (hg19) VCF-style: chr18-56010243-A-G.
Other names: c.1120A>G, p.Thr374Ala (NM_001144964.1, NM_001144965.2, NM_001144966.3); c.1459A>G, p.Thr487Ala (NM_001144968.2); c.1399A>G, p.Thr467Ala (NM_001144969.2); c.1060A>G, p.Thr354Ala (NM_001144970.3, NM_001144971.2); c.1291A>G, p.Thr431Ala (NM_001243960.2); c.1423A>G, p.Thr475Ala (NM_015277.6); short protein forms T431A, T467A, T495A, T354A, T475A, T487A, T374A.
Identifiers: ClinVar variation 844193 (VCV000844193.10), dbSNP rs1297218616, ClinGen allele CA402537401.